The following is an entry in ClinVar:

ClinVar aggregate classification (germline): Uncertain significance (1 of 4 stars; one submission).

Conditions:
Dilated cardiomyopathy 1JJ (CMD1JJ). Identifiers: Orphanet 154, MedGen C3808935, MONDO:0014095, OMIM 615235.

Allele frequency attached by ClinVar (database versions not stated): TOPMed below 0.00001.

Submission:

Labcorp Genetics (formerly Invitae), Labcorp
Classification: Uncertain significance for Dilated cardiomyopathy 1JJ. Last evaluated: 2022-02-06. Review status: criteria provided, single submitter. Criteria: Invitae Variant Classification Sherloc (09022015). Collection method: clinical testing. Allele origin: germline.
Comment: In summary, the available evidence is currently insufficient to determine the role of this variant in disease. Therefore, it has been classified as a Variant of Uncertain Significance. This sequence change replaces glycine, which is neutral and non-polar, with aspartic acid, which is acidic and polar, at codon 1249 of the LAMA4 protein (p.Gly1249Asp). This variant is not present in population databases (gnomAD no frequency). This variant has not been reported in the literature in individuals affected with LAMA4-related conditions. Algorithms developed to predict the effect of missense changes on protein structure and function (SIFT, PolyPhen-2, Align-GVGD) all suggest that this variant is likely to be tolerated.

NM_001105206.3(LAMA4):c.3767G>A (p.Gly1256Asp)

Gene: LAMA4 (laminin subunit alpha 4; minus strand). Cytogenetic location: 6q21.
Variant type: single nucleotide variant.
Coding change: c.3767G>A on transcript NM_001105206.3 (MANE Select); coding-DNA position 3767, G replaced by A.
Protein change: p.Gly1256Asp; replaces glycine 1256 with aspartic acid.
Molecular consequence: missense variant.
Genome position (GRCh38, 1-based): chr6:112,132,820, C>T on the plus strand (G>A on the coding strand, the complement: LAMA4 is on the minus strand). VCF-style: chr6-112132820-C-T. GRCh37 (hg19) VCF-style: chr6-112454022-C-T.
Other names: c.3746G>A, p.Gly1249Asp (NM_001105207.3, NM_002290.5); short protein forms G1256D, G1249D.
Identifiers: ClinVar variation 2093746 (VCV002093746.4), dbSNP rs1779117709, ClinGen allele CA365374994.